The following is an entry in ClinVar:

ClinVar aggregate classification (germline): Uncertain significance (1 of 4 stars; one submission).

Conditions:
Citrullinemia. Identifiers: Orphanet 187, MedGen C0175683, MONDO:0015991.

Allele frequency attached by ClinVar (database versions not stated): gnomAD exomes below 0.00001.
gnomAD v4.1: 2 of 1,613,768 alleles (0.00012%); highest among the groups gnomAD compares: South Asian, 0.0022%; no homozygotes.

Submission:

Labcorp Genetics (formerly Invitae), Labcorp
Classification: Uncertain significance for Citrullinemia. Last evaluated: 2020-10-03. Review status: criteria provided, single submitter. Criteria: Invitae Variant Classification Sherloc (09022015). Collection method: clinical testing. Allele origin: germline.
Comment: In summary, the available evidence is currently insufficient to determine the role of this variant in disease. Therefore, it has been classified as a Variant of Uncertain Significance. Algorithms developed to predict the effect of missense changes on protein structure and function (SIFT, PolyPhen-2, Align-GVGD) all suggest that this variant is likely to be tolerated, but these predictions have not been confirmed by published functional studies and their clinical significance is uncertain. This variant has not been reported in the literature in individuals with ASS1-related conditions. This variant is not present in population databases (ExAC no frequency). This sequence change replaces glutamic acid with lysine at codon 401 of the ASS1 protein (p.Glu401Lys). The glutamic acid residue is moderately conserved and there is a small physicochemical difference between glutamic acid and lysine.

NM_054012.4(ASS1):c.1201G>A (p.Glu401Lys)

Gene: ASS1 (argininosuccinate synthase 1; plus strand). Cytogenetic location: 9q34.11.
Variant type: single nucleotide variant.
Coding change: c.1201G>A on transcript NM_054012.4 (MANE Select); coding-DNA position 1201, G replaced by A.
Protein change: p.Glu401Lys; replaces glutamic acid 401 with lysine.
Molecular consequence: missense variant.
Genome position (GRCh38, 1-based): chr9:130,500,983, G>A. VCF-style: chr9-130500983-G-A. GRCh37 (hg19) VCF-style: chr9-133376370-G-A.
Other names: c.1201G>A, p.Glu401Lys (NM_000050.4); short protein forms E401K.
Identifiers: ClinVar variation 944704 (VCV000944704.10), dbSNP rs990803455, ClinGen allele CA200598089.